The following is an entry in ClinVar:

NM_014391.3(ANKRD1):c.207+296C>G

Gene: ANKRD1 (ankyrin repeat domain 1; minus strand). Cytogenetic location: 10q23.31.
Variant type: single nucleotide variant.
Coding change: c.207+296C>G on transcript NM_014391.3 (MANE Select); 296 bases into the intron after coding-DNA position 207, C replaced by G.
Molecular consequence: intron variant.
Genome position (GRCh38, 1-based): chr10:90,919,873, G>C on the plus strand (C>G on the coding strand, the complement: ANKRD1 is on the minus strand). VCF-style: chr10-90919873-G-C. GRCh37 (hg19) VCF-style: chr10-92679630-G-C.
Identifiers: ClinVar variation 683101 (VCV000683101.1), dbSNP rs10047267, ClinGen allele CA15646457.

ClinVar aggregate classification (germline): Benign (1 of 4 stars; one submission).

Allele frequency attached by ClinVar (database versions not stated): 1000 Genomes Project 0.44449; 1000 Genomes Project 30x 0.44597; TOPMed 0.46132; gnomAD 0.47592.
gnomAD v4.1: 71,260 of 152,072 alleles (47%); highest among the groups gnomAD compares: Admixed American, 54%; 17,351 homozygotes.

Submission:

GeneDx
Classification: Benign. Last evaluated: 2018-06-18. Review status: criteria provided, single submitter. Criteria: GeneDx Variant Classification (06012015). Collection method: clinical testing. Allele origin: germline. Affected: yes.
Comment: This variant is considered likely benign or benign based on one or more of the following criteria: it is a conservative change, it occurs at a poorly conserved position in the protein, it is predicted to be benign by multiple in silico algorithms, and/or has population frequency not consistent with disease.